The following is an entry in ClinVar:

NM_001042492.3(NF1):c.5755G>A (p.Glu1919Lys)

Gene: NF1 (neurofibromin 1; plus strand). Cytogenetic location: 17q11.2.
Variant type: single nucleotide variant.
Coding change: c.5755G>A on transcript NM_001042492.3 (MANE Select); coding-DNA position 5755, G replaced by A.
Protein change: p.Glu1919Lys; replaces glutamic acid 1919 with lysine.
Molecular consequence: missense variant.
Genome position (GRCh38, 1-based): chr17:31,330,441, G>A. VCF-style: chr17-31330441-G-A. GRCh37 (hg19) VCF-style: chr17-29657459-G-A.
Other names: c.5692G>A, p.Glu1898Lys (NM_000267.4); short protein forms E1898K, E1919K.
Identifiers: ClinVar variation 618758 (VCV000618758.17), dbSNP rs1227869359, ClinGen allele CA399010400.

ClinVar aggregate classification (germline): Uncertain significance. Review status: criteria provided, multiple submitters, no conflicts (2 of 4 stars). 5 submissions from 5 submitters: Uncertain significance (5). Last evaluated 2025-08-21.

Conditions:
Neurofibromatosis, type 1 (NF1). Also called: NEUROFIBROMATOSIS, TYPE I, SOMATIC; VON RECKLINGHAUSEN DISEASE; Neurofibromatosis, type I; Peripheral type neurofibromatosis. Identifiers: Orphanet 636, MedGen C0027831, MONDO:0018975, OMIM 162200. Disease mechanism: loss of function.

Submissions (5):

3billion
Classification: Uncertain significance for Neurofibromatosis, type 1. Last evaluated: 2025-08-21. Review status: criteria provided, single submitter. Criteria: ACMG Guidelines, 2015. Collection method: clinical testing. Allele origin: germline. Affected: yes.
Comment: The variant is not observed in the gnomAD v4.1.0 dataset. Predicted Consequence/Location: Missense variant In silico tool predictions suggest damaging effect of the variant on gene or gene product [REVEL: 0.81 (>=0.6, sensitivity 0.68 and specificity 0.92); 3Cnet: 0.96 (> 0.75, sensitivity 0.96 and precision 0.92)]. The variant has been reported as of uncertain significance (ClinVar ID: VCV000618758). Different missense changes at the same codon have been reported as of uncertain significance (ClinVar ID: VCV002677198, VCV003404951). Therefore, this variant is classified as VUS according to the recommendation of ACMG/AMP guideline.

Labcorp Genetics (formerly Invitae), Labcorp
Classification: Uncertain significance for Neurofibromatosis, type 1. Last evaluated: 2025-06-22. Review status: criteria provided, single submitter. Criteria: Invitae Variant Classification Sherloc (09022015). Collection method: clinical testing. Allele origin: germline.
Comment: This sequence change replaces glutamic acid, which is acidic and polar, with lysine, which is basic and polar, at codon 1898 of the NF1 protein (p.Glu1898Lys). This variant is not present in population databases (gnomAD no frequency). This variant has not been reported in the literature in individuals affected with NF1-related conditions. Invitae Evidence Modeling of clinical and family history, age, sex, and reported ancestry of multiple individuals with this NF1 variant has been performed. This variant is expected to be pathogenic with a positive predictive value of at least 99%. This is a validated machine learning model that incorporates the clinical features of 1,785,918 individuals referred to our laboratory for NF1 testing. ClinVar contains an entry for this variant (Variation ID: 618758). Invitae Evidence Modeling of protein sequence and biophysical properties (such as structural, functional, and spatial information, amino acid conservation, physicochemical variation, residue mobility, and thermodynamic stability) indicates that this missense variant is expected to disrupt NF1 protein function with a positive predictive value of 95%. In summary, the available evidence is currently insufficient to determine the role of this variant in disease. Therefore, it has been classified as a Variant of Uncertain Significance.

Greenwood Genetic Center Diagnostic Laboratories, Greenwood Genetic Center
Classification: Uncertain significance. Last evaluated: 2024-10-23. Review status: criteria provided, single submitter. Criteria: ACMG Guidelines, 2015. Collection method: clinical testing. Allele origin: germline. Affected: yes.
Comment: PM2, PP2, PP3

Genome-Nilou Lab
Classification: Uncertain significance for Neurofibromatosis, type 1. Last evaluated: 2022-03-15. Review status: criteria provided, single submitter. Criteria: ACMG Guidelines, 2015. Collection method: clinical testing. Allele origin: germline. Affected: no.

ARUP Laboratories, Molecular Genetics and Genomics, ARUP Laboratories
Classification: Uncertain significance. Last evaluated: 2018-04-22. Review status: criteria provided, single submitter. Criteria: ARUP Molecular Germline Variant Investigation Process. Collection method: clinical testing. Allele origin: germline.
Comment: The NF1 c.5755G>A; p.Glu1919Lys variant (c.5692G>A; p.Glu1898Lys for NM_000267.3), to our knowledge, has not been reported in the medical literature or in gene-specific databases. It is also absent from general population databases (1000 Genomes Project, Exome Variant Server, and Genome Aggregation Database), indicating it is not a common polymorphism. The glutamic acid at codon 1919 is highly conserved but computational analyses (SIFT: tolerated, PolyPhen-2: possibly damaging) predict conflicting effects of this variant on protein structure/function. Due to lack of clinical or functional data regarding this variant, its clinical significance cannot be determined with certainty.